The following is an entry in ClinVar:

ClinVar aggregate classification (germline): Uncertain significance (1 of 4 stars; one submission).

Conditions:
Inborn genetic diseases. Identifiers: MedGen C0950123, MeSH D030342.

Allele frequency attached by ClinVar (database versions not stated): TOPMed below 0.00001; gnomAD 0.00001; gnomAD exomes 0.00001.
gnomAD v4.1: 15 of 1,613,624 alleles (0.00093%); highest among the groups gnomAD compares: East Asian, 0.0022%; no homozygotes.

Submission:

Ambry Genetics
Classification: Uncertain significance for Inborn genetic diseases. Last evaluated: 2022-06-10. Review status: criteria provided, single submitter. Criteria: Ambry Variant Classification Scheme 2023. Collection method: clinical testing. Allele origin: germline.
Comment: The c.1724G>A (p.R575H) alteration is located in exon 16 (coding exon 16) of the MED23 gene. This alteration results from a G to A substitution at nucleotide position 1724, causing the arginine (R) at amino acid position 575 to be replaced by a histidine (H). Based on data from gnomAD, the A allele has an overall frequency of 0.01% (2/31394) total alleles studied. The highest observed frequency was 0.06% (1/1560) of East Asian alleles. This amino acid position is highly conserved in available vertebrate species. This alteration is predicted to be deleterious by in silico analysis. Based on insufficient or conflicting evidence, the clinical significance of this alteration remains unclear.

NM_004830.4(MED23):c.1706G>A (p.Arg569His)

Gene: MED23 (mediator complex subunit 23; minus strand). Cytogenetic location: 6q23.2.
Variant type: single nucleotide variant.
Coding change: c.1706G>A on transcript NM_004830.4 (MANE Select); coding-DNA position 1706, G replaced by A.
Protein change: p.Arg569His; replaces arginine 569 with histidine.
Molecular consequence: missense variant.
Genome position (GRCh38, 1-based): chr6:131,604,228, C>T on the plus strand (G>A on the coding strand, the complement: MED23 is on the minus strand). VCF-style: chr6-131604228-C-T. GRCh37 (hg19) VCF-style: chr6-131925368-C-T.
Other names: c.1706G>A, p.Arg569His (NM_001270521.2, NM_001270522.2, NM_001376519.1 and 3 more transcripts); c.1724G>A, p.Arg575His (NM_001376517.1, NM_015979.4); c.1652G>A, p.Arg551His (NM_001376518.1); c.1565G>A, p.Arg522His (NM_001376520.1); c.1451G>A, p.Arg484His (NM_001376523.1); short protein forms R484H, R522H, R575H, R551H, R569H.
Identifiers: ClinVar variation 2382217 (VCV002382217.2), dbSNP rs779186762, ClinGen allele CA147920323.